The following is an entry in ClinVar:

NM_002972.4(SBF1):c.3710G>A (p.Ser1237Asn)

Gene: SBF1 (SET binding factor 1; minus strand). Cytogenetic location: 22q13.33.
Variant type: single nucleotide variant.
Coding change: c.3710G>A on transcript NM_002972.4 (MANE Select); coding-DNA position 3710, G replaced by A.
Protein change: p.Ser1237Asn; replaces serine 1237 with asparagine.
Molecular consequence: missense variant.
Genome position (GRCh38, 1-based): chr22:50,459,371, C>T on the plus strand (G>A on the coding strand, the complement: SBF1 is on the minus strand). VCF-style: chr22-50459371-C-T. GRCh37 (hg19) VCF-style: chr22-50897800-C-T.
Other names: c.3713G>A, p.Ser1238Asn (NM_001365819.1, NM_001410794.1); c.3710G>A, p.Ser1237Asn (NM_001410795.1, NM_197971.1); c.3710G>A (NM_002972.2); short protein forms S1238N, S1237N.
Identifiers: ClinVar variation 2063391 (VCV002063391.3), dbSNP rs2521902055, ClinGen allele CA412203447.

ClinVar aggregate classification (germline): Uncertain significance. Review status: criteria provided, multiple submitters, no conflicts (2 of 4 stars). 2 submissions from 2 submitters: Uncertain significance (2). Last evaluated 2023-05-08.

Allele frequency attached by ClinVar (database versions not stated): gnomAD exomes below 0.00001.
gnomAD v4.1: 4 of 1,612,480 alleles (0.00025%); highest among the groups gnomAD compares: Non-Finnish European, 0.00034%; no homozygotes.

Submissions (2):

Ambry Genetics
Classification: Uncertain significance. Last evaluated: 2023-05-08. Review status: criteria provided, single submitter. Criteria: Ambry Variant Classification Scheme 2023. Collection method: clinical testing. Allele origin: germline.

Labcorp Genetics (formerly Invitae), Labcorp
Classification: Uncertain significance. Last evaluated: 2022-07-04. Review status: criteria provided, single submitter. Criteria: Invitae Variant Classification Sherloc (09022015). Collection method: clinical testing. Allele origin: germline.
Comment: This sequence change replaces serine, which is neutral and polar, with asparagine, which is neutral and polar, at codon 1237 of the SBF1 protein (p.Ser1237Asn). This variant is not present in population databases (gnomAD no frequency). This variant has not been reported in the literature in individuals affected with SBF1-related conditions. Algorithms developed to predict the effect of missense changes on protein structure and function (SIFT, PolyPhen-2, Align-GVGD) all suggest that this variant is likely to be tolerated. In summary, the available evidence is currently insufficient to determine the role of this variant in disease. Therefore, it has been classified as a Variant of Uncertain Significance.